The following is an entry in ClinVar:

ClinVar aggregate classification (germline): Uncertain significance (1 of 4 stars; one submission).
ClinVar aggregate classification (somatic clinical impact): Tier I - Strong. Review status: criteria provided, single submitter (1 of 4 stars). 2 submissions from 1 submitter. 1 of the submissions does not count toward it. Last evaluated 2023-03-13.

Conditions:
Rhabdoid tumor predisposition syndrome 2 (RTPS2). Identifiers: Orphanet 231108, Orphanet 69077, MedGen C2750074, MONDO:0013224, OMIM 613325.
Medulloblastoma non-WNT/non-SHH. Identifiers: MedGen C4330667, MONDO:0850198.
Neuroblastoma (NB). Identifiers: Orphanet 635, MedGen C0027819, MeSH D009447, MONDO:0005072, HP:0003006.

Submissions (3):

Institute for Genomic Medicine (IGM) Clinical Laboratory, Nationwide Children's Hospital
Classification: Tier II - Potential for Neuroblastoma. Assertion type: diagnostic. Clinical significance: supports diagnosis. Last evaluated: 2025-05-19. Review status: criteria provided, single submitter. Criteria: AMP/ASCO/CAP Guidelines, 2017. Collection method: clinical testing. Allele origin: somatic. Affected: yes. Not counted in ClinVar's aggregate classification.
Comment: Variant has Tier II (potential) clinical significance as a diagnostic inclusion criterion in neuroblastoma, based on the following evidence: 1) Documented in one or more cancer databases (e.g., St. Jude Pecan, COSMIC, CIViC, OncoKB). 2) Diagnostic significance based on multiple small studies (Evidence Level C; PMIDs: 31018240, 33056981, 29992558, 36813544).

Labcorp Genetics (formerly Invitae), Labcorp
Classification: Uncertain significance for Rhabdoid tumor predisposition syndrome 2. Last evaluated: 2024-05-13. Review status: criteria provided, single submitter. Criteria: Invitae Variant Classification Sherloc (09022015). Collection method: clinical testing. Allele origin: germline.
Comment: This sequence change replaces arginine, which is basic and polar, with histidine, which is basic and polar, at codon 1192 of the SMARCA4 protein (p.Arg1192His). This variant is not present in population databases (gnomAD no frequency). This variant has not been reported in the literature in individuals affected with SMARCA4-related conditions. Advanced modeling of protein sequence and biophysical properties (such as structural, functional, and spatial information, amino acid conservation, physicochemical variation, residue mobility, and thermodynamic stability) performed at Invitae indicates that this missense variant is expected to disrupt SMARCA4 protein function with a positive predictive value of 95%. In summary, the available evidence is currently insufficient to determine the role of this variant in disease. Therefore, it has been classified as a Variant of Uncertain Significance.

Institute for Genomic Medicine (IGM) Clinical Laboratory, Nationwide Children's Hospital
Classification: Tier I - Strong for Medulloblastoma non-WNT/non-SHH. Assertion type: diagnostic. Clinical significance: supports diagnosis. Last evaluated: 2023-03-13. Review status: criteria provided, single submitter. Criteria: AMP/ASCO/CAP Guidelines, 2017. Collection method: clinical testing. Allele origin: somatic. Affected: yes.
Comment: Variant has Tier I (strong) clinical significance as a diagnostic inclusion criterion in medulloblastoma non-WNT/non-SHH, based on the following evidence: 1) Documented in one or more cancer databases (e.g., St. Jude Pecan, COSMIC, CIViC, OncoKB). 2) Appears in one or more well-established professional guidelines (e.g., World Health Organization [WHO]; National Comprehensive Cancer Network [NCCN]) as providing diagnostic, prognostic, or therapeutic information. 3) Information in the literature supports potential biologic effect of variant (PMID: 33144586). 4) Diagnostic for a specific tumor type/classification based on well-powered studies with expert-level consensus (Evidence Level B; PMIDs: 28726861, 22832583, 23432644, 22722829).

Literature cited by the submitters: PubMed 31018240 (cited by Institute for Genomic Medicine (IGM) Clinical Laboratory, Nationwide Children's Hospital); PubMed 33056981 (cited by Institute for Genomic Medicine (IGM) Clinical Laboratory, Nationwide Children's Hospital); PubMed 29992558 (cited by Institute for Genomic Medicine (IGM) Clinical Laboratory, Nationwide Children's Hospital); PubMed 36813544 (cited by Institute for Genomic Medicine (IGM) Clinical Laboratory, Nationwide Children's Hospital); PubMed 33144586 (cited by Institute for Genomic Medicine (IGM) Clinical Laboratory, Nationwide Children's Hospital); PubMed 28726861 (cited by Institute for Genomic Medicine (IGM) Clinical Laboratory, Nationwide Children's Hospital); PubMed 22832583 (cited by Institute for Genomic Medicine (IGM) Clinical Laboratory, Nationwide Children's Hospital); PubMed 23432644 (cited by Institute for Genomic Medicine (IGM) Clinical Laboratory, Nationwide Children's Hospital); PubMed 22722829 (cited by Institute for Genomic Medicine (IGM) Clinical Laboratory, Nationwide Children's Hospital).

NM_003072.5(SMARCA4):c.3575G>A (p.Arg1192His)

Gene: SMARCA4 (SWI/SNF related BAF chromatin remodeling complex subunit ATPase 4; plus strand). Cytogenetic location: 19p13.2.
Variant type: single nucleotide variant.
Coding change: c.3575G>A on transcript NM_003072.5 (MANE Select); coding-DNA position 3575, G replaced by A.
Protein change: p.Arg1192His; replaces arginine 1192 with histidine.
Molecular consequence: missense variant. On other transcripts: non-coding transcript variant (1).
Genome position (GRCh38, 1-based): chr19:11,033,318, G>A. VCF-style: chr19-11033318-G-A. GRCh37 (hg19) VCF-style: chr19-11143994-G-A.
Other names: c.3575G>A, p.Arg1192His (NM_001128848.2, NM_001128849.3, NM_001374457.1 and 6 more transcripts); short protein forms R1192H.
Identifiers: ClinVar variation 3636879 (VCV003636879.3).